The following is an entry in ClinVar:

ClinVar aggregate classification (germline): Uncertain significance (1 of 4 stars; one submission).

Allele frequency attached by ClinVar (database versions not stated): TOPMed 0.00001; ExAC 0.00002; gnomAD exomes 0.00002.
gnomAD v4.1: 4 of 1,613,904 alleles (0.00025%); highest among the groups gnomAD compares: Admixed American, 0.0067%; no homozygotes.

Submission:

Labcorp Genetics (formerly Invitae), Labcorp
Classification: Uncertain significance. Last evaluated: 2024-02-24. Review status: criteria provided, single submitter. Criteria: Invitae Variant Classification Sherloc (09022015). Collection method: clinical testing. Allele origin: germline.
Comment: This sequence change replaces leucine, which is neutral and non-polar, with phenylalanine, which is neutral and non-polar, at codon 736 of the USH2A protein (p.Leu736Phe). This variant is present in population databases (rs758063197, gnomAD 0.01%). This variant has not been reported in the literature in individuals affected with USH2A-related conditions. ClinVar contains an entry for this variant (Variation ID: 1503259). Advanced modeling of protein sequence and biophysical properties (such as structural, functional, and spatial information, amino acid conservation, physicochemical variation, residue mobility, and thermodynamic stability) has been performed at Invitae for this missense variant, however the output from this modeling did not meet the statistical confidence thresholds required to predict the impact of this variant on USH2A protein function. In summary, the available evidence is currently insufficient to determine the role of this variant in disease. Therefore, it has been classified as a Variant of Uncertain Significance.

NM_206933.4(USH2A):c.2206C>T (p.Leu736Phe)

Gene: USH2A (usherin; minus strand). Cytogenetic location: 1q41.
Variant type: single nucleotide variant.
Coding change: c.2206C>T on transcript NM_206933.4 (MANE Select); coding-DNA position 2206, C replaced by T.
Protein change: p.Leu736Phe; replaces leucine 736 with phenylalanine.
Molecular consequence: missense variant.
Genome position (GRCh38, 1-based): chr1:216,247,188, G>A on the plus strand (C>T on the coding strand, the complement: USH2A is on the minus strand). VCF-style: chr1-216247188-G-A. GRCh37 (hg19) VCF-style: chr1-216420530-G-A.
Other names: c.2206C>T, p.Leu736Phe (NM_007123.6); short protein forms L736F.
Identifiers: ClinVar variation 1503259 (VCV001503259.7), dbSNP rs758063197, ClinGen allele CA1396265.